The following is an entry in ClinVar:

NM_001556.3(IKBKB):c.1690G>A (p.Glu564Lys)

Gene: IKBKB (inhibitor of nuclear factor kappa B kinase subunit beta; plus strand). Cytogenetic location: 8p11.21.
Variant type: single nucleotide variant.
Coding change: c.1690G>A on transcript NM_001556.3 (MANE Select); coding-DNA position 1690, G replaced by A.
Protein change: p.Glu564Lys; replaces glutamic acid 564 with lysine.
Molecular consequence: missense variant. On other transcripts: non-coding transcript variant (3).
Genome position (GRCh38, 1-based): chr8:42,321,897, G>A. VCF-style: chr8-42321897-G-A. GRCh37 (hg19) VCF-style: chr8-42179415-G-A.
Other names: c.1498G>A, p.Glu500Lys (NM_001190720.3); c.1513G>A, p.Glu505Lys (NM_001242778.2); short protein forms E564K, E500K, E505K.
Identifiers: ClinVar variation 1918820 (VCV001918820.4), dbSNP rs755214823, ClinGen allele CA4732095.
Genomic context (GRCh38, chr8:42,321,897, plus strand): 5'-ATGTAAAAATTAGCCATATTTGACCTCAAGTCTAGACAGAACTTCTTTGTATATTTTAGA[G>A]AGGAGCAAGCAAGGGAGCTGTACAGGAGACTAAGGGAAAAACCTCGAGGTAAGTGGGGTT-3'
Protein context (NP_001547.1, residues 554-574): RKQGGTLDDL[Glu564Lys]EQARELYRRL

ClinVar aggregate classification (germline): Uncertain significance (1 of 4 stars; one submission).

Conditions:
Severe combined immunodeficiency due to IKK2 deficiency. Also called: Immunodeficiency 15; IMMUNODEFICIENCY 15B. Identifiers: Orphanet 397787, MedGen C4747743, MONDO:0014267, OMIM 615592.

Allele frequency attached by ClinVar (database versions not stated): gnomAD exomes below 0.00001; ExAC 0.00001; gnomAD 0.00001; TOPMed 0.00001.
gnomAD v4.1: 6 of 1,603,674 alleles (0.00037%); highest among the groups gnomAD compares: Non-Finnish European, 0.00043%; no homozygotes.

Submission:

Labcorp Genetics (formerly Invitae), Labcorp
Classification: Uncertain significance for Severe combined immunodeficiency due to IKK2 deficiency. Last evaluated: 2024-11-18. Review status: criteria provided, single submitter. Criteria: Invitae Variant Classification Sherloc (09022015). Collection method: clinical testing. Allele origin: germline.
Comment: This sequence change replaces glutamic acid, which is acidic and polar, with lysine, which is basic and polar, at codon 564 of the IKBKB protein (p.Glu564Lys). This variant is not present in population databases (gnomAD no frequency). This variant has not been reported in the literature in individuals affected with IKBKB-related conditions. ClinVar contains an entry for this variant (Variation ID: 1918820). An algorithm developed to predict the effect of missense changes on protein structure and function (PolyPhen-2) suggests that this variant is likely to be disruptive. In summary, the available evidence is currently insufficient to determine the role of this variant in disease. Therefore, it has been classified as a Variant of Uncertain Significance.